The following is an entry in ClinVar:

ClinVar aggregate classification (germline): Uncertain significance (1 of 4 stars; one submission).

Conditions:
Hereditary cancer-predisposing syndrome. Also called: Neoplastic Syndromes, Hereditary; Tumor predisposition; Hereditary Cancer Syndrome; Hereditary neoplastic syndrome. Identifiers: Orphanet 140162, MedGen C0027672, MeSH D009386, MONDO:0015356.

Submission:

Ambry Genetics
Classification: Uncertain significance for Hereditary cancer-predisposing syndrome. Last evaluated: 2026-03-15. Review status: criteria provided, single submitter. Criteria: Ambry Variant Classification Scheme 2023. Collection method: clinical testing. Allele origin: germline.
Comment: The p.L742I variant (also known as c.2224T>A), located in coding exon 16 of the TSC1 gene, results from a T to A substitution at nucleotide position 2224. The leucine at codon 742 is replaced by isoleucine, an amino acid with highly similar properties. This amino acid position is conserved. In addition, the in silico prediction for this alteration is inconclusive. Based on the available evidence, the clinical significance of this variant remains unclear.

NM_000368.5(TSC1):c.2224T>A (p.Leu742Ile)

Gene: TSC1 (TSC complex subunit 1; minus strand). Cytogenetic location: 9q34.13.
Variant type: single nucleotide variant.
Coding change: c.2224T>A on transcript NM_000368.5 (MANE Select); coding-DNA position 2224, T replaced by A.
Protein change: p.Leu742Ile; replaces leucine 742 with isoleucine.
Molecular consequence: missense variant. On other transcripts: non-coding transcript variant (5).
Genome position (GRCh38, 1-based): chr9:132,902,772, A>T on the plus strand (T>A on the coding strand, the complement: TSC1 is on the minus strand). VCF-style: chr9-132902772-A-T. GRCh37 (hg19) VCF-style: chr9-135778159-A-T.
Other names: c.2221T>A, p.Leu741Ile (NM_001406600.1, NM_001406608.1, NM_001406609.1 and 4 more transcripts); c.2209T>A, p.Leu737Ile (NM_001406601.1, NM_001406602.1); c.2206T>A, p.Leu736Ile (NM_001406603.1, NM_001406604.1); c.2224T>A, p.Leu742Ile (NM_001406605.1, NM_001406606.1, NM_001406607.1 and 5 more transcripts); c.1270T>A, p.Leu424Ile (NM_001406627.1, NM_001406628.1); c.1171T>A, p.Leu391Ile (NM_001406629.1, NM_001406630.1); c.1273T>A, p.Leu425Ile (NM_001406626.1); c.2071T>A, p.Leu691Ile (NM_001162427.2, NM_001406610.1); and 3 more; short protein forms L391I, L424I, L425I, L620I, L621I, L690I, L691I, L736I.
Identifiers: ClinVar variation 4866011 (VCV004866011.1).